The following is an entry in ClinVar:

NM_000104.4(CYP1B1):c.896_897del (p.Ser299fs)

Gene: CYP1B1 (cytochrome P450 family 1 subfamily B member 1; minus strand). Cytogenetic location: 2p22.2.
Variant type: Microsatellite.
Coding change: c.896_897del on transcript NM_000104.4 (MANE Select); coding-DNA positions 896 to 897, 2 bases deleted (CT; older notation c.896_897delCT).
Protein change: p.Ser299fs; shifts the reading frame from serine 299.
Molecular consequence: frameshift variant.
Genome position (GRCh38, 1-based): chr2:38,074,492-38,074,493, AG deleted on the plus strand (CT on the coding strand, the reverse complement: CYP1B1 is on the minus strand); deleting any 2 consecutive bases within chr2:38,074,492-38,074,497 gives the same sequence; the c. name uses the placement nearest the transcript's 3' end. VCF-style (leftmost placement, unchanged base first): chr2-38074491-CAG-C. GRCh37 (hg19) VCF-style: chr2-38301634-CAG-C.
Other names: short protein forms S299fs.
Identifiers: ClinVar variation 3389610 (VCV003389610.14).

ClinVar aggregate classification (germline): Pathogenic (1 of 4 stars; one submission).

Submission:

CeGaT Center for Human Genetics Tuebingen
Classification: Pathogenic. Last evaluated: 2024-09-01. Review status: criteria provided, single submitter. Criteria: CeGaT Center For Human Genetics Tuebingen Variant Classification Criteria Version 2. Collection method: clinical testing. Allele origin: germline. Affected: yes. Observed: 1 variant allele.
Comment: CYP1B1: PVS1, PM2, PM3:Supporting